The following is an entry in ClinVar:

NM_032242.4(PLXNA1):c.2356C>T (p.Leu786=)

Gene: PLXNA1 (plexin A1; plus strand). Cytogenetic location: 3q21.3.
Variant type: single nucleotide variant.
Coding change: c.2356C>T on transcript NM_032242.4 (MANE Select); coding-DNA position 2356, C replaced by T.
Protein change: p.Leu786=; no amino-acid change (leucine 786 retained).
Molecular consequence: synonymous variant.
Genome position (GRCh38, 1-based): chr3:127,014,062, C>T. VCF-style: chr3-127014062-C-T. GRCh37 (hg19) VCF-style: chr3-126732905-C-T.
Identifiers: ClinVar variation 3355833 (VCV003355833.1).
Genomic context (GRCh38, chr3:127,014,062, plus strand): 5'-GGTGCCATCACCTAACAGTACTCCTACGAGGGGAACGATGTCAGCGACCTGCCAGTGAAC[C>T]TGTCAGTCGTGTGGAACGGCAACTTTGTCATTGACAACCCACAGAACATCCAGGGTGAGT-3'
Protein context (NP_115618.3, residues 776-796): GNDVSDLPVN[Leu786=]SVVWNGNFVI

ClinVar aggregate classification (germline): Likely benign (0 of 4 stars; one submission).

Conditions:
PLXNA1-related disorder. Also called: PLXNA1-related condition.

gnomAD v4.1: 1 of 1,614,032 alleles (0.000062%); highest among the groups gnomAD compares: Non-Finnish European, 0.000085%; no homozygotes.

Submission:

PreventionGenetics, part of Exact Sciences
Classification: Likely benign for PLXNA1-related condition. Last evaluated: 2024-03-12. Review status: no assertion criteria provided. Collection method: clinical testing. Allele origin: germline.
Comment: This variant is classified as likely benign based on ACMG/AMP sequence variant interpretation guidelines (Richards et al. 2015 PMID: 25741868, with internal and published modifications).